The following is an entry in ClinVar:

NM_005629.4(SLC6A8):c.947C>T (p.Ser316Phe)

Gene: SLC6A8 (solute carrier family 6 member 8; plus strand). Cytogenetic location: Xq28.
Variant type: single nucleotide variant.
Coding change: c.947C>T on transcript NM_005629.4 (MANE Select); coding-DNA position 947, C replaced by T.
Protein change: p.Ser316Phe; replaces serine 316 with phenylalanine.
Molecular consequence: missense variant.
Genome position (GRCh38, 1-based): chrX:153,693,297, C>T. VCF-style: chrX-153693297-C-T. GRCh37 (hg19) VCF-style: chrX-152958752-C-T.
Other names: c.947C>T, p.Ser316Phe (NM_001142805.2); c.602C>T, p.Ser201Phe (NM_001142806.1); short protein forms S201F, S316F.
Identifiers: ClinVar variation 1062933 (VCV001062933.9), dbSNP rs2148362940, ClinGen allele CA415084566.

ClinVar aggregate classification (germline): Uncertain significance (1 of 4 stars; one submission).

Conditions:
Creatine transporter deficiency (CCDS1). Also called: CEREBRAL CREATINE DEFICIENCY SYNDROME 1; Mental retardation , X-linked with seizures, short stature and midface hypoplasia; Mental retardation , X-linked, with creatine transport deficiency; X-linked creatine transporter deficiency; X-linked creatine deficiency syndrome; SLC6A8-Related Creatine Transporter Deficiency. Identifiers: Orphanet 52503, MedGen C1845862, MONDO:0010305, OMIM 300352.

Submission:

Labcorp Genetics (formerly Invitae), Labcorp
Classification: Uncertain significance for Creatine transporter deficiency. Last evaluated: 2020-09-19. Review status: criteria provided, single submitter. Criteria: Invitae Variant Classification Sherloc (09022015). Collection method: clinical testing. Allele origin: germline.
Comment: This variant has not been reported in the literature in individuals with SLC6A8-related conditions. This variant is not present in population databases (ExAC no frequency). This sequence change replaces serine with phenylalanine at codon 316 of the SLC6A8 protein (p.Ser316Phe). The serine residue is highly conserved and there is a large physicochemical difference between serine and phenylalanine. In summary, the available evidence is currently insufficient to determine the role of this variant in disease. Therefore, it has been classified as a Variant of Uncertain Significance. Advanced modeling of protein sequence and biophysical properties (such as structural, functional, and spatial information, amino acid conservation, physicochemical variation, residue mobility, and thermodynamic stability) performed at Invitae indicates that this missense variant is expected to disrupt SLC6A8 protein function.